The following is an entry in ClinVar:

ClinVar aggregate classification (germline): Uncertain significance (1 of 4 stars; one submission).

Conditions:
Alport syndrome. Also called: Hemorrhagic familial nephritis; Hemorrhagic hereditary nephritis; Congenital hereditary hematuria. Identifiers: Orphanet 63, MedGen C1567741, MONDO:0018965.

Submission:

Myriad Genetics, Inc.
Classification: Uncertain significance for Alport syndrome. Last evaluated: 2026-01-27. Review status: criteria provided, single submitter. Criteria: Myriad Autosomal Dominant, Autosomal Recessive and X-Linked Classification Criteria (2023). Collection method: clinical testing. Allele origin: unknown.
Comment: NM_000091.4(COL4A3):c.2249G>A(G750E) is a missense variant classified as a variant of uncertain significance in the context of Alport syndrome, COL4A3-related. G750E has not been observed in cases with relevant disease. Relevant functional assessments of this variant are not available in the literature. G750E has not been observed in referenced population frequency databases. In summary, there is insufficient evidence to classify NM_000091.4(COL4A3):c.2249G>A(G750E) as pathogenic or benign. Please note: this variant was assessed in the context of healthy population screening.

NM_000091.5(COL4A3):c.2249G>A (p.Gly750Glu)

Genes: COL4A3 (collagen type IV alpha 3 chain; plus strand), MFF-DT (MFF divergent transcript; minus strand). Cytogenetic location: 2q36.3.
Variant type: single nucleotide variant.
Coding change: c.2249G>A on transcript NM_000091.5 (MANE Select); coding-DNA position 2249, G replaced by A.
Protein change: p.Gly750Glu; replaces glycine 750 with glutamic acid.
Molecular consequence: missense variant.
Genome position (GRCh38, 1-based): chr2:227,280,465, G>A. VCF-style: chr2-227280465-G-A. GRCh37 (hg19) VCF-style: chr2-228145181-G-A.
Other names: short protein forms G750E.
Identifiers: ClinVar variation 5003527 (VCV005003527.1).